The following is an entry in ClinVar:

ClinVar aggregate classification (germline): Uncertain significance (1 of 4 stars; one submission).

Conditions:
Inborn genetic diseases. Identifiers: MedGen C0950123, MeSH D030342.

Submission:

Ambry Genetics
Classification: Uncertain significance for Inborn genetic diseases. Last evaluated: 2025-05-10. Review status: criteria provided, single submitter. Criteria: Ambry Variant Classification Scheme 2023. Collection method: clinical testing. Allele origin: germline.
Comment: The p.G441S variant (also known as c.1321G>A), located in coding exon 14 of the FANCA gene, results from a G to A substitution at nucleotide position 1321. The glycine at codon 441 is replaced by serine, an amino acid with similar properties. This amino acid position is conserved. In addition, this alteration is predicted to be deleterious by in silico analysis. Based on the available evidence, the clinical significance of this variant remains unclear.

NM_000135.4(FANCA):c.1321G>A (p.Gly441Ser)

Gene: FANCA (FA complementation group A; minus strand). Cytogenetic location: 16q24.3.
Variant type: single nucleotide variant.
Coding change: c.1321G>A on transcript NM_000135.4 (MANE Select); coding-DNA position 1321, G replaced by A.
Protein change: p.Gly441Ser; replaces glycine 441 with serine.
Molecular consequence: missense variant.
Genome position (GRCh38, 1-based): chr16:89,791,441, C>T on the plus strand (G>A on the coding strand, the complement: FANCA is on the minus strand). VCF-style: chr16-89791441-C-T. GRCh37 (hg19) VCF-style: chr16-89857849-C-T.
Other names: c.1321G>A, p.Gly441Ser (NM_001286167.3); short protein forms G441S.
Identifiers: ClinVar variation 4022257 (VCV004022257.1).
Genomic context (GRCh38, chr16:89,791,441, plus strand): 5'-AGCCGATTGGCAGGTCACTTACCTTGAACCAGTCTGCATATGACAGGAACGCAGAGGGGC[C>T]CTCCAGTGCTGCCTGGCGCACAACCAGGAACGCAGTGACCATGCTGTCCAGCTGGCAGCT-3'
Protein context (NP_000126.2, residues 431-451): FLVVRQAALE[Gly441Ser]PSAFLSYADW